The following is an entry in ClinVar:

NM_017934.7(PHIP):c.3864A>G (p.Lys1288=)

Genes: IRAK1BP1 (interleukin 1 receptor associated kinase 1 binding protein 1; plus strand), PHIP (PHIP subunit of CUL4-Ring ligase complex; minus strand). Cytogenetic location: 6q14.1.
Variant type: single nucleotide variant.
Coding change: c.3864A>G on transcript NM_017934.7 (MANE Select); coding-DNA position 3864, A replaced by G.
Protein change: p.Lys1288=; no amino-acid change (lysine 1288 retained).
Molecular consequence: synonymous variant.
Genome position (GRCh38, 1-based): chr6:78,955,271, T>C on the plus strand (A>G on the coding strand, the complement: PHIP is on the minus strand). VCF-style: chr6-78955271-T-C. GRCh37 (hg19) VCF-style: chr6-79664988-T-C.
Identifiers: ClinVar variation 3355756 (VCV003355756.1).

ClinVar aggregate classification (germline): Likely benign (0 of 4 stars; one submission).

Conditions:
PHIP-related disorder. Also called: PHIP-related condition; PHIP-related disorders.

gnomAD v4.1: 2 of 1,609,364 alleles (0.00012%); highest among the groups gnomAD compares: South Asian, 0.0022%; no homozygotes.

Submission:

PreventionGenetics, part of Exact Sciences
Classification: Likely benign for PHIP-related condition. Last evaluated: 2021-11-11. Review status: no assertion criteria provided. Collection method: clinical testing. Allele origin: germline.
Comment: This variant is classified as likely benign based on ACMG/AMP sequence variant interpretation guidelines (Richards et al. 2015 PMID: 25741868, with internal and published modifications).